The following is an entry in ClinVar:

NM_000540.3(RYR1):c.7927-1G>T

Gene: RYR1 (ryanodine receptor 1; plus strand). Cytogenetic location: 19q13.2.
Variant type: single nucleotide variant.
Coding change: c.7927-1G>T on transcript NM_000540.3 (MANE Select); the canonical splice acceptor site of the intron before coding-DNA position 7927, G replaced by T.
Molecular consequence: splice acceptor variant.
Genome position (GRCh38, 1-based): chr19:38,504,219, G>T. VCF-style: chr19-38504219-G-T. GRCh37 (hg19) VCF-style: chr19-38994859-G-T.
Other names: c.7927-1G>T (NM_001042723.2).
Identifiers: ClinVar variation 3017700 (VCV003017700.4), dbSNP rs2514351010, ClinGen allele CA405675342.

ClinVar aggregate classification (germline): Likely pathogenic. Review status: criteria provided, multiple submitters, no conflicts (2 of 4 stars). 2 submissions from 2 submitters: Likely pathogenic (2). Last evaluated 2024-04-19.

Conditions:
King Denborough syndrome (KDS). Identifiers: MedGen C1840365, MONDO:0020485, OMIM 619542.
Malignant hyperthermia, susceptibility to, 1 (MHS1). Also called: Anesthesia related hyperthermia; Malignant hyperpyrexia; Fulminating hyperpyrexia; Pharmacogenic myopathy; RYR1-Related Malignant Hyperthermia Susceptibility; Malignant hyperthermia suceptibility 1. Identifiers: Orphanet 423, MedGen C2930980, MONDO:0007783, OMIM 145600.
Central core myopathy (CMYO1A). Also called: Central core disease; Myopathy, central fibrillar; CONGENITAL MYOPATHY 1A, AUTOSOMAL DOMINANT, WITH SUSCEPTIBILITY TO MALIGNANT HYPERTHERMIA. Identifiers: Orphanet 597, MedGen C5830701, MONDO:0007294, OMIM 117000.
Congenital multicore myopathy with external ophthalmoplegia (CMYO1B). Also called: MULTIMINICORE DISEASE WITH EXTERNAL OPHTHALMOPLEGIA; MULTICORE MYOPATHY; Congenital myopathy 1B, autosomal recessive; Minicore myopathy; Minicore myopathy with external ophthalmoplegia. Identifiers: Orphanet 598, Orphanet 98905, MedGen C1850674, MONDO:0009712, OMIM 255320, HP:0003789.
RYR1-related disorder. Also called: RYR1-related disorders; RYR1-related condition. Identifiers: MedGen CN239331.

Allele frequency attached by ClinVar (database versions not stated): gnomAD exomes below 0.00001.
gnomAD v4.1: 2 of 1,611,804 alleles (0.00012%); highest among the groups gnomAD compares: Non-Finnish European, 0.00017%; no homozygotes.

Submissions (2):

Fulgent Genetics
Classification: Likely pathogenic for Central core myopathy; Malignant hyperthermia, susceptibility to, 1; Congenital multicore myopathy with external ophthalmoplegia; King Denborough syndrome. Last evaluated: 2024-04-19. Review status: criteria provided, single submitter. Criteria: ACMG Guidelines, 2015. Collection method: clinical testing. Allele origin: germline.

Labcorp Genetics (formerly Invitae), Labcorp
Classification: Likely pathogenic for RYR1-related disorder. Last evaluated: 2022-12-08. Review status: criteria provided, single submitter. Criteria: Invitae Variant Classification Sherloc (09022015). Collection method: clinical testing. Allele origin: germline.
Comment: Algorithms developed to predict the effect of sequence changes on RNA splicing suggest that this variant may disrupt the consensus splice site. In summary, the currently available evidence indicates that the variant is pathogenic, but additional data are needed to prove that conclusively. Therefore, this variant has been classified as Likely Pathogenic. This sequence change affects an acceptor splice site in intron 49 of the RYR1 gene. It is expected to disrupt RNA splicing. Variants that disrupt the donor or acceptor splice site typically lead to a loss of protein function (PMID: 16199547), and loss-of-function variants in RYR1 are known to be pathogenic (PMID: 20583297, 20839240, 23919265, 28818389). This variant is not present in population databases (gnomAD no frequency). This variant has not been reported in the literature in individuals affected with RYR1-related conditions.

Literature cited by the submitters: PubMed 16199547 (cited by Labcorp Genetics (formerly Invitae), Labcorp); PubMed 20583297 (cited by Labcorp Genetics (formerly Invitae), Labcorp); PubMed 20839240 (cited by Labcorp Genetics (formerly Invitae), Labcorp); PubMed 23919265 (cited by Labcorp Genetics (formerly Invitae), Labcorp); PubMed 28818389 (cited by Labcorp Genetics (formerly Invitae), Labcorp).